The following is an entry in ClinVar:

NM_152564.5(VPS13B):c.1956T>G (p.Ile652Met)

Gene: VPS13B (vacuolar protein sorting 13 homolog B; plus strand). Cytogenetic location: 8q22.2.
Variant type: single nucleotide variant.
Coding change: c.1956T>G on transcript NM_152564.5 (MANE Select); coding-DNA position 1956, T replaced by G.
Protein change: p.Ile652Met; replaces isoleucine 652 with methionine.
Molecular consequence: missense variant.
Genome position (GRCh38, 1-based): chr8:99,147,953, T>G. VCF-style: chr8-99147953-T-G. GRCh37 (hg19) VCF-style: chr8-100160181-T-G.
Other names: c.1956T>G, p.Ile652Met (NM_015243.3, NM_017890.5); short protein forms I652M.
Identifiers: ClinVar variation 1392719 (VCV001392719.6), dbSNP rs904064642, ClinGen allele CA182901574.
Genomic context (GRCh38, chr8:99,147,953, plus strand): 5'-GGAGGAATATATTCCTACTCGACATACAAGTGTTACTCTCCTCAAATGTACCTGCACAAT[T>G]TCCATGGCTGAATTCAACTTGCTGGACCATTTACTACCTGTCATTATGGGAGAAAAGGTA-3'
Protein context (NP_689777.3, residues 642-662): SVTLLKCTCT[Ile652Met]SMAEFNLLDH

ClinVar aggregate classification (germline): Uncertain significance (1 of 4 stars; one submission).

Conditions:
Cohen syndrome (COH1). Also called: PEPPER SYNDROME; Cutis verticis gyrata, retinitis pigmentosa, and sensorineural deafness. Identifiers: Orphanet 193, MedGen C0265223, MONDO:0008999, OMIM 216550.

Allele frequency attached by ClinVar (database versions not stated): gnomAD 0.00001; gnomAD exomes 0.00001; TOPMed 0.00001.
gnomAD v4.1: 6 of 1,613,814 alleles (0.00037%); highest among the groups gnomAD compares: Non-Finnish European, 0.00051%; no homozygotes.

Submission:

Labcorp Genetics (formerly Invitae), Labcorp
Classification: Uncertain significance for Cohen syndrome. Last evaluated: 2025-08-18. Review status: criteria provided, single submitter. Criteria: Invitae Variant Classification Sherloc (09022015). Collection method: clinical testing. Allele origin: germline.
Comment: This sequence change replaces isoleucine with methionine at codon 652 of the VPS13B protein (p.Ile652Met). The isoleucine residue is weakly conserved and there is a small physicochemical difference between isoleucine and methionine. This variant is not present in population databases (gnomAD no frequency). This variant has not been reported in the literature in individuals affected with VPS13B-related conditions. ClinVar contains an entry for this variant (Variation ID: 1392719). Invitae Evidence Modeling of protein sequence and biophysical properties (such as structural, functional, and spatial information, amino acid conservation, physicochemical variation, residue mobility, and thermodynamic stability) indicates that this missense variant is expected to disrupt VPS13B protein function with a positive predictive value of 80%. In summary, the available evidence is currently insufficient to determine the role of this variant in disease. Therefore, it has been classified as a Variant of Uncertain Significance.